The following is an entry in ClinVar:

ClinVar aggregate classification (germline): Uncertain significance (1 of 4 stars; one submission).

Conditions:
Familial isolated arrhythmogenic right ventricular dysplasia. Identifiers: Orphanet 217656, MedGen C4274968, MONDO:0016342.

Submission:

All of Us Research Program, National Institutes of Health
Classification: Uncertain significance for Familial isolated arrhythmogenic right ventricular dysplasia. Last evaluated: 2023-11-30. Review status: criteria provided, single submitter. Criteria: ACMG Guidelines, 2015. Collection method: clinical testing. Allele origin: germline. Inheritance: Autosomal dominant inheritance. Observed: 1 variant allele, 1 heterozygote.
Comment: This study involves interpretation of variants in research participants for the purpose of population health screening. Participant phenotype was not available at the time of variant classification. Additional details can be found in publication PMID: 35346344, PMCID: PMC8962531

NM_024422.6(DSC2):c.98A>G (p.Lys33Arg)

Gene: DSC2 (desmocollin 2; minus strand). Cytogenetic location: 18q12.1.
Variant type: single nucleotide variant.
Coding change: c.98A>G on transcript NM_024422.6 (MANE Select); coding-DNA position 98, A replaced by G.
Protein change: p.Lys33Arg; replaces lysine 33 with arginine.
Molecular consequence: missense variant. On other transcripts: 5 prime UTR variant (2).
Genome position (GRCh38, 1-based): chr18:31,093,615, T>C on the plus strand (A>G on the coding strand, the complement: DSC2 is on the minus strand). VCF-style: chr18-31093615-T-C. GRCh37 (hg19) VCF-style: chr18-28673578-T-C.
Other names: c.-332A>G (NM_001406506.1, NM_001406507.1); c.98A>G, p.Lys33Arg (NM_004949.5); short protein forms K33R.
Identifiers: ClinVar variation 3074003 (VCV003074003.1), dbSNP rs2510957254, ClinGen allele CA402115127.